The following is an entry in ClinVar:

ClinVar aggregate classification (germline): Likely benign (1 of 4 stars; one submission).

Allele frequency attached by ClinVar (database versions not stated): gnomAD exomes 0.00002; gnomAD 0.00003; ExAC 0.00005.

Submission:

CeGaT Center for Human Genetics Tuebingen
Classification: Likely benign. Last evaluated: 2022-12-01. Review status: criteria provided, single submitter. Criteria: CeGaT Center For Human Genetics Tuebingen Variant Classification Criteria Version 2. Collection method: clinical testing. Allele origin: germline. Affected: yes. Observed: 1 variant allele.
Comment: FAM47C: BP4, BP7

NM_001013736.3(FAM47C):c.1785C>G (p.Pro595=)

Gene: FAM47C (family with sequence similarity 47 member C; plus strand). Cytogenetic location: Xp21.1.
Variant type: single nucleotide variant.
Coding change: c.1785C>G on transcript NM_001013736.3 (MANE Select); coding-DNA position 1785, C replaced by G.
Protein change: p.Pro595=; no amino-acid change (proline 595 retained).
Molecular consequence: synonymous variant.
Genome position (GRCh38, 1-based): chrX:37,010,195, C>G. VCF-style: chrX-37010195-C-G. GRCh37 (hg19) VCF-style: chrX-37028268-C-G.
Identifiers: ClinVar variation 2660272 (VCV002660272.24), dbSNP rs782332305, ClinGen allele CA10382894.